The following is an entry in ClinVar:

ClinVar aggregate classification (germline): Likely benign. Review status: criteria provided, single submitter (1 of 4 stars). 2 submissions from 2 submitters: Likely benign (1). 1 of the submissions does not count toward it. Last evaluated 2025-08-04.

Conditions:
CERT1-related disorder. Also called: CERT1-related condition.
Inborn genetic diseases. Identifiers: MedGen C0950123, MeSH D030342.

Allele frequency attached by ClinVar (database versions not stated): gnomAD exomes 0.00003; ExAC 0.00015; 1000 Genomes Project 30x 0.00031; TOPMed 0.00042; gnomAD 0.00045; 1000 Genomes Project 0.00080.
gnomAD v4.1: 114 of 1,532,450 alleles (0.0074%); highest among the groups gnomAD compares: African/African-American, 0.14%; 1 homozygote.

Submissions (2):

Ambry Genetics
Classification: Likely benign for Inborn genetic diseases. Last evaluated: 2025-08-04. Review status: criteria provided, single submitter. Criteria: Ambry Variant Classification Scheme 2023. Collection method: clinical testing. Allele origin: germline.

PreventionGenetics, part of Exact Sciences
Classification: Likely benign for CERT1-related condition. Last evaluated: 2022-10-13. Review status: no assertion criteria provided. Collection method: clinical testing. Allele origin: germline. Not counted in ClinVar's aggregate classification.
Comment: This variant is classified as likely benign based on ACMG/AMP sequence variant interpretation guidelines (Richards et al. 2015 PMID: 25741868, with internal and published modifications).

NM_001379029.1(CERT1):c.-242C>T

Genes: CERT1 (ceramide transporter 1; minus strand), POLK (DNA polymerase kappa; plus strand). Cytogenetic location: 5q13.3.
Variant type: single nucleotide variant.
Coding change: c.-242C>T on transcript NM_001379029.1 (MANE Select); 242 bases upstream of the start codon, C replaced by T.
Molecular consequence: 5 prime UTR variant. On other transcripts: missense variant (1).
Genome position (GRCh38, 1-based): chr5:75,511,449, G>A on the plus strand (C>T on the coding strand, the complement: CERT1 is on the minus strand). VCF-style: chr5-75511449-G-A. GRCh37 (hg19) VCF-style: chr5-74807274-G-A.
Other names: c.143C>T, p.Ala48Val (NM_001130105.1); c.-242C>T (NM_001379002.1, NM_001379003.1, NM_001379004.1 and 2 more transcripts); short protein forms A48V.
Identifiers: ClinVar variation 3050781 (VCV003050781.3), dbSNP rs556130884, ClinGen allele CA3309428.